The following is an entry in ClinVar:

NM_014806.5(RUSC2):c.725G>A (p.Cys242Tyr)

Gene: RUSC2 (RUN and SH3 domain containing 2; plus strand). Cytogenetic location: 9p13.3.
Variant type: single nucleotide variant.
Coding change: c.725G>A on transcript NM_014806.5 (MANE Select); coding-DNA position 725, G replaced by A.
Protein change: p.Cys242Tyr; replaces cysteine 242 with tyrosine.
Molecular consequence: missense variant. On other transcripts: non-coding transcript variant (1), intron variant (1).
Genome position (GRCh38, 1-based): chr9:35,547,246, G>A. VCF-style: chr9-35547246-G-A. GRCh37 (hg19) VCF-style: chr9-35547243-G-A.
Other names: c.725G>A, p.Cys242Tyr (NM_001135999.2); c.-620-7814G>A (NM_001330740.2); short protein forms C242Y.
Identifiers: ClinVar variation 1475059 (VCV001475059.8), dbSNP rs1460393291, ClinGen allele CA373328531.

ClinVar aggregate classification (germline): Uncertain significance (1 of 4 stars; one submission).

Allele frequency attached by ClinVar (database versions not stated): gnomAD exomes below 0.00001.

Submission:

Labcorp Genetics (formerly Invitae), Labcorp
Classification: Uncertain significance. Last evaluated: 2020-12-28. Review status: criteria provided, single submitter. Criteria: Invitae Variant Classification Sherloc (09022015). Collection method: clinical testing. Allele origin: germline.
Comment: In summary, the available evidence is currently insufficient to determine the role of this variant in disease. Therefore, it has been classified as a Variant of Uncertain Significance. Algorithms developed to predict the effect of missense changes on protein structure and function (SIFT, PolyPhen-2, Align-GVGD) all suggest that this variant is likely to be tolerated, but these predictions have not been confirmed by published functional studies and their clinical significance is uncertain. This variant has not been reported in the literature in individuals with RUSC2-related conditions. This variant is not present in population databases (ExAC no frequency). This sequence change replaces cysteine with tyrosine at codon 242 of the RUSC2 protein (p.Cys242Tyr). The cysteine residue is moderately conserved and there is a large physicochemical difference between cysteine and tyrosine.